The following is an entry in ClinVar:

ClinVar aggregate classification (germline): Uncertain significance. Review status: criteria provided, multiple submitters, no conflicts (2 of 4 stars). 3 submissions from 3 submitters: Uncertain significance (3). Last evaluated 2024-03-28.

Conditions:
Hereditary cancer-predisposing syndrome. Also called: Hereditary neoplastic syndrome; Tumor predisposition; Neoplastic Syndromes, Hereditary; Hereditary Cancer Syndrome. Identifiers: Orphanet 140162, MedGen C0027672, MeSH D009386, MONDO:0015356.
Hereditary nonpolyposis colorectal neoplasms. Identifiers: MedGen C0009405, MeSH D003123.

Submissions (3):

Ambry Genetics
Classification: Uncertain significance for Hereditary cancer-predisposing syndrome. Last evaluated: 2024-03-28. Review status: criteria provided, single submitter. Criteria: Ambry Variant Classification Scheme 2023. Collection method: clinical testing. Allele origin: germline.
Comment: The p.I787M variant (also known as c.2361C>G), located in coding exon 14 of the PMS2 gene, results from a C to G substitution at nucleotide position 2361. The isoleucine at codon 787 is replaced by methionine, an amino acid with highly similar properties. This amino acid position is well conserved in available vertebrate species. In addition, the in silico prediction for this alteration is inconclusive. Since supporting evidence is limited at this time, the clinical significance of this alteration remains unclear.

Labcorp Genetics (formerly Invitae), Labcorp
Classification: Uncertain significance for Hereditary nonpolyposis colorectal neoplasms. Last evaluated: 2024-02-07. Review status: criteria provided, single submitter. Criteria: Invitae Variant Classification Sherloc (09022015). Collection method: clinical testing. Allele origin: germline.
Comment: This sequence change replaces isoleucine, which is neutral and non-polar, with methionine, which is neutral and non-polar, at codon 787 of the PMS2 protein (p.Ile787Met). The frequency data for this variant in the population databases (gnomAD) is considered unreliable due to the presence of homologous sequence, such as pseudogenes or paralogs, in the genome. This variant has not been reported in the literature in individuals affected with PMS2-related conditions. ClinVar contains an entry for this variant (Variation ID: 421120). Advanced modeling of protein sequence and biophysical properties (such as structural, functional, and spatial information, amino acid conservation, physicochemical variation, residue mobility, and thermodynamic stability) performed at Invitae indicates that this missense variant is expected to disrupt PMS2 protein function with a positive predictive value of 80%. In summary, the available evidence is currently insufficient to determine the role of this variant in disease. Therefore, it has been classified as a Variant of Uncertain Significance.

GeneDx
Classification: Uncertain significance. Last evaluated: 2016-05-11. Review status: criteria provided, single submitter. Criteria: GeneDx Variant Classification (06012015). Collection method: clinical testing. Allele origin: germline. Affected: yes.
Comment: This variant is denoted PMS2 c.2361C>G at the cDNA level, p.Ile787Met (I787M) at the protein level, and results in the change of an Isoleucine to a Methionine (ATC>ATG). This variant has not, to our knowledge, been published in the literature as pathogenic or benign. PMS2 Ile787Met was not observed in approximately 6,500 individuals of European and African American ancestry in the NHLBI Exome Sequencing Project, suggesting it is not a common benign variant in these populations. Since Isoleucine and Methionine share similar properties, this is considered a conservative amino acid substitution. PMS2 Ile787Met occurs at a position where amino acids with properties similar to Isoleucine are tolerated across species, and it is located within the nuclease domain (Guarne 2001, Fukui 2011). In silico analyses are inconsistent regarding the effect this variant may have on protein structure and function. Based on currently available evidence, it is unclear whether PMS2 Ile787Met is a pathogenic or benign variant. We consider it to be a variant of uncertain significance.

NM_000535.7(PMS2):c.2361C>G (p.Ile787Met)

Gene: PMS2 (PMS1 homolog 2, mismatch repair system component; minus strand). Cytogenetic location: 7p22.1.
Variant type: single nucleotide variant.
Coding change: c.2361C>G on transcript NM_000535.7 (MANE Select); coding-DNA position 2361, C replaced by G.
Protein change: p.Ile787Met; replaces isoleucine 787 with methionine.
Molecular consequence: missense variant. On other transcripts: non-coding transcript variant (1).
Genome position (GRCh38, 1-based): chr7:5,977,672, G>C on the plus strand (C>G on the coding strand, the complement: PMS2 is on the minus strand). VCF-style: chr7-5977672-G-C. GRCh37 (hg19) VCF-style: chr7-6017303-G-C.
Other names: c.1956C>G, p.Ile652Met (NM_001322003.2, NM_001322004.2, NM_001322005.2); c.2205C>G, p.Ile735Met (NM_001322006.2); c.2043C>G, p.Ile681Met (NM_001322007.2, NM_001322008.2); c.1989C>G, p.Ile663Met (NM_001322009.2); c.1800C>G, p.Ile600Met (NM_001322010.2); c.1428C>G, p.Ile476Met (NM_001322011.2, NM_001322012.2); c.1788C>G, p.Ile596Met (NM_001322013.2); c.2394C>G, p.Ile798Met (NM_001322014.2); and 1 more; short protein forms I787M, I596M, I663M, I684M, I735M, I652M, I681M, I798M.
Identifiers: ClinVar variation 421120 (VCV000421120.17), dbSNP rs1064794923, ClinGen allele CA16618488.